The following is an entry in ClinVar:

ClinVar aggregate classification (germline): Benign/Likely benign. Review status: criteria provided, multiple submitters, no conflicts (2 of 4 stars). 4 submissions from 4 submitters: Benign (2); Likely benign (2). Last evaluated 2026-02-03.

Conditions:
Ehlers-Danlos syndrome, classic type, 1 (EDSCL1). Also called: EHLERS-DANLOS SYNDROME, GRAVIS TYPE; EHLERS-DANLOS SYNDROME, SEVERE CLASSIC TYPE; Ehlers-Danlos Syndrome, Classic Type, COL5A1-Related; EDS I; Ehlers-Danlos syndrome, type 1. Identifiers: MedGen C0268335, MONDO:0019567, OMIM 130000.
Ehlers-Danlos syndrome, classic type, 2 (EDSCL2). Also called: Ehlers-Danlos syndrome type 2 (formerly); Ehlers-Danlos Syndrome, Classic Type, COL5A2-Related; Ehlers-Danlos syndrome, type 2. Identifiers: Orphanet 287, Orphanet 90318, MedGen C0268336, MONDO:0019568, OMIM 130010.

Allele frequency attached by ClinVar (database versions not stated): gnomAD exomes 0.00031; gnomAD 0.00116 and 0.00125; 1000 Genomes Project 30x 0.00156; ExAC 0.00034; ESP Exome Variant Server 0.00050; 1000 Genomes Project 0.00160; TOPMed 0.00116.
gnomAD v4.1: 357 of 1,532,876 alleles (0.023%); highest among the groups gnomAD compares: African/African-American, 0.43%; 1 homozygote.

Submissions (4):

Labcorp Genetics (formerly Invitae), Labcorp
Classification: Benign for Ehlers-Danlos syndrome, classic type, 1. Last evaluated: 2026-02-03. Review status: criteria provided, single submitter. Criteria: Invitae Variant Classification Sherloc (09022015). Collection method: clinical testing. Allele origin: germline.

Women's Health and Genetics/Laboratory Corporation of America, LabCorp
Classification: Benign. Last evaluated: 2025-07-02. Review status: criteria provided, single submitter. Criteria: LabCorp Variant Classification Summary - May 2015. Collection method: clinical testing. Allele origin: germline.

GeneDx
Classification: Likely benign. Last evaluated: 2018-01-23. Review status: criteria provided, single submitter. Criteria: GeneDx Variant Classification (06012015). Collection method: clinical testing. Allele origin: germline. Affected: yes.
Comment: This variant is considered likely benign or benign based on one or more of the following criteria: it is a conservative change, it occurs at a poorly conserved position in the protein, it is predicted to be benign by multiple in silico algorithms, and/or has population frequency not consistent with disease.

Illumina Laboratory Services, Illumina
Classification: Likely benign for Ehlers-Danlos syndrome, classic type, 2. Last evaluated: 2018-01-13. Review status: criteria provided, single submitter. Criteria: ICSL Variant Classification Criteria 13 December 2019. Collection method: clinical testing. Allele origin: germline.
Comment: This variant was observed in the ICSL laboratory as part of a predisposition screen in an ostensibly healthy population. It had not been previously curated by ICSL or reported in the Human Gene Mutation Database (HGMD: prior to June 1st, 2018), and was therefore a candidate for classification through an automated scoring system. Utilizing variant allele frequency, disease prevalence and penetrance estimates, and inheritance mode, an automated score was calculated to assess if this variant is too frequent to cause the disease. Based on the score and internal cut-off values, a variant classified as likely benign is not then subjected to further curation. The score for this variant resulted in a classification of likely benign for this disease.

NM_000393.5(COL5A2):c.3039+15C>T

Gene: COL5A2 (collagen type V alpha 2 chain; minus strand). Cytogenetic location: 2q32.2.
Variant type: single nucleotide variant.
Coding change: c.3039+15C>T on transcript NM_000393.5 (MANE Select); 15 bases into the intron after coding-DNA position 3039, C replaced by T.
Molecular consequence: intron variant.
Genome position (GRCh38, 1-based): chr2:189,050,554, G>A on the plus strand (C>T on the coding strand, the complement: COL5A2 is on the minus strand). VCF-style: chr2-189050554-G-A. GRCh37 (hg19) VCF-style: chr2-189915280-G-A.
Identifiers: ClinVar variation 385826 (VCV000385826.14), dbSNP rs114619770, ClinGen allele CA2022134.